The following is an entry in ClinVar:

NM_002439.5(MSH3):c.2698G>T (p.Gly900Cys)

Gene: MSH3 (mutS homolog 3; plus strand). Cytogenetic location: 5q14.1.
Variant type: single nucleotide variant.
Coding change: c.2698G>T on transcript NM_002439.5 (MANE Select); coding-DNA position 2698, G replaced by T.
Protein change: p.Gly900Cys; replaces glycine 900 with cysteine.
Molecular consequence: missense variant.
Genome position (GRCh38, 1-based): chr5:80,813,626, G>T. VCF-style: chr5-80813626-G-T. GRCh37 (hg19) VCF-style: chr5-80109445-G-T.
Other names: short protein forms G900C.
Identifiers: ClinVar variation 946052 (VCV000946052.14), dbSNP rs894670241, ClinGen allele CA121307384.

ClinVar aggregate classification (germline): Uncertain significance. Review status: criteria provided, multiple submitters, no conflicts (2 of 4 stars). 3 submissions from 3 submitters: Uncertain significance (3). Last evaluated 2025-12-10.

Conditions:
Hereditary cancer-predisposing syndrome. Also called: Neoplastic Syndromes, Hereditary; Hereditary Cancer Syndrome; Tumor predisposition; Hereditary neoplastic syndrome. Identifiers: Orphanet 140162, MedGen C0027672, MeSH D009386, MONDO:0015356.
Endometrial carcinoma. Also called: Endometrial carcinoma, somatic. Identifiers: MedGen C0476089, MONDO:0002447, OMIM 608089, HP:0012114.

Allele frequency attached by ClinVar (database versions not stated): gnomAD exomes below 0.00001; gnomAD 0.00001.
gnomAD v4.1: 3 of 1,613,960 alleles (0.00019%); highest among the groups gnomAD compares: Non-Finnish European, 0.00025%; no homozygotes.

Submissions (3):

Labcorp Genetics (formerly Invitae), Labcorp
Classification: Uncertain significance. Last evaluated: 2025-12-10. Review status: criteria provided, single submitter. Criteria: Invitae Variant Classification Sherloc (09022015). Collection method: clinical testing. Allele origin: germline.
Comment: This sequence change replaces glycine, which is neutral and non-polar, with cysteine, which is neutral and slightly polar, at codon 900 of the MSH3 protein (p.Gly900Cys). The frequency data for this variant in the population databases is considered unreliable, as metrics indicate poor data quality at this position in the gnomAD database. This variant has not been reported in the literature in individuals affected with MSH3-related conditions. ClinVar contains an entry for this variant (Variation ID: 946052). An algorithm developed to predict the effect of missense changes on protein structure and function (PolyPhen-2) suggests that this variant is likely to be disruptive. In summary, the available evidence is currently insufficient to determine the role of this variant in disease. Therefore, it has been classified as a Variant of Uncertain Significance.

Ambry Genetics
Classification: Uncertain significance for Hereditary cancer-predisposing syndrome. Last evaluated: 2024-10-18. Review status: criteria provided, single submitter. Criteria: Ambry Variant Classification Scheme 2023. Collection method: clinical testing. Allele origin: germline.
Comment: The p.G900C variant (also known as c.2698G>T), located in coding exon 20 of the MSH3 gene, results from a G to T substitution at nucleotide position 2698. The glycine at codon 900 is replaced by cysteine, an amino acid with highly dissimilar properties. This amino acid position is conserved. In addition, this alteration is predicted to be deleterious by in silico analysis. Since supporting evidence is limited at this time, the clinical significance of this alteration remains unclear.

Baylor Genetics
Classification: Uncertain significance for Endometrial carcinoma. Last evaluated: 2024-01-02. Review status: criteria provided, single submitter. Criteria: ACMG Guidelines, 2015. Collection method: clinical testing. Allele origin: unknown.